The following is an entry in ClinVar:

NM_000458.4(HNF1B):c.658G>C (p.Asp220His)

Genes: HNF1B (HNF1 homeobox B; minus strand), LOC126862549 (BRD4-independent group 4 enhancer GRCh37_chr17:36093401-36094600; plus strand). Cytogenetic location: 17q12.
Variant type: single nucleotide variant.
Coding change: c.658G>C on transcript NM_000458.4 (MANE Select); coding-DNA position 658, G replaced by C.
Protein change: p.Asp220His; replaces aspartic acid 220 with histidine.
Molecular consequence: missense variant.
Genome position (GRCh38, 1-based): chr17:37,733,708, C>G on the plus strand (G>C on the coding strand, the complement: HNF1B is on the minus strand). VCF-style: chr17-37733708-C-G. GRCh37 (hg19) VCF-style: chr17-36093701-C-G.
Other names: c.580G>C, p.Asp194His (NM_001165923.4, NM_001304286.2); short protein forms D194H, D220H.
Identifiers: ClinVar variation 1337314 (VCV001337314.6), dbSNP rs377555356, ClinGen allele CA8519034.

ClinVar aggregate classification (germline): Uncertain significance. Review status: criteria provided, multiple submitters, no conflicts (2 of 4 stars). 3 submissions from 3 submitters: Uncertain significance (3). Last evaluated 2024-04-10.

Conditions:
Type 2 diabetes mellitus. Also called: Type II diabetes mellitus. Identifiers: MedGen C0011860, MeSH D003924, MONDO:0005148, OMIM 125853, HP:0005978.
Nonpapillary renal cell carcinoma. Identifiers: Orphanet 422526, MedGen CN074294, MONDO:0007763, OMIM 144700.
Renal cysts and diabetes syndrome (RCAD). Also called: Familial hypoplastic, glomerulocystic kidney; MATURITY-ONSET DIABETES OF THE YOUNG, TYPE 5. Identifiers: Orphanet 93111, MedGen C0431693, MONDO:0007669, OMIM 137920.

Allele frequency attached by ClinVar (database versions not stated): ESP Exome Variant Server 0.00008.
gnomAD v4.1: 114 of 1,614,072 alleles (0.0071%); highest among the groups gnomAD compares: Non-Finnish European, 0.009%; no homozygotes.

Submissions (3):

Fulgent Genetics
Classification: Uncertain significance for Type 2 diabetes mellitus; Renal cysts and diabetes syndrome; Nonpapillary renal cell carcinoma. Last evaluated: 2024-04-10. Review status: criteria provided, single submitter. Criteria: ACMG Guidelines, 2015. Collection method: clinical testing. Allele origin: germline.

Victorian Clinical Genetics Services, Murdoch Childrens Research Institute
Classification: Uncertain significance for Renal cysts and diabetes syndrome. Last evaluated: 2020-10-19. Review status: criteria provided, single submitter. Criteria: ACMG Guidelines, 2015. Collection method: clinical testing. Allele origin: germline. Inheritance: Autosomal dominant inheritance. Affected: yes.
Comment: Based on the classification scheme VCGS_Germline_v1.1.1, this variant is classified as 3B-VUS. Following criteria are met: 0103 - Both loss- and gain-of-function are known mechanisms of disease for this gene (PMID: 25536396, PMID: 11845238). (N) 0104 - Dominant Negative is a mechanism of disease for this gene (PMID: 15509593). (N) 0107 - This gene is known to be associated with autosomal dominant disease. (N) 0200 - Variant is predicted to result in a missense amino acid change from aspartic acid to histidine (exon 3). (N) 0251 - Variant is heterozygous. (N) 0302 - Variant is present in gnomAD <0.001 for a dominant condition (10 heterozygotes, 0 homozygotes). (P) 0309 - Multiple alternative amino acid changes at the same position have been observed in gnomAD (highest allele count: 3 heterozygotes, 0 homozygotes). (N) 0502 - Missense variant with uninformative in silico predictions and conservation. (N) 0604 - Variant is not located in an established domain, motif, hotspot or informative constraint region. (N) 0705 - No comparable variants have previous evidence for pathogenicity. (N) 0807 - Variant has not previously been reported in a clinical context. (N) 0905 - No segregation evidence has been identified for this variant. (N) 1007 - No published functional evidence has been identified for this variant. (N) 1208 - Inheritance information for this variant is not currently available. (N) Legend: (P) - Pathogenic, (N) - Neutral, (B) - Benign

Genetic Services Laboratory, University of Chicago
Classification: Uncertain significance. Last evaluated: 2019-08-19. Review status: criteria provided, single submitter. Criteria: ACMG Guidelines, 2015. Collection method: clinical testing. Allele origin: germline. Affected: no.

Literature cited by the submitters: PubMed 11845238 (cited by Victorian Clinical Genetics Services, Murdoch Childrens Research Institute); PubMed 15509593 (cited by Victorian Clinical Genetics Services, Murdoch Childrens Research Institute); PubMed 25536396 (cited by Victorian Clinical Genetics Services, Murdoch Childrens Research Institute).